The following is an entry in ClinVar:

NM_001252024.2(TRPM1):c.1411C>A (p.Pro471Thr)

Gene: TRPM1 (transient receptor potential cation channel subfamily M member 1; minus strand). Cytogenetic location: 15q13.3.
Variant type: single nucleotide variant.
Coding change: c.1411C>A on transcript NM_001252024.2 (MANE Select); coding-DNA position 1411, C replaced by A.
Protein change: p.Pro471Thr; replaces proline 471 with threonine.
Molecular consequence: missense variant.
Genome position (GRCh38, 1-based): chr15:31,050,435, G>T on the plus strand (C>A on the coding strand, the complement: TRPM1 is on the minus strand). VCF-style: chr15-31050435-G-T. GRCh37 (hg19) VCF-style: chr15-31342638-G-T.
Other names: c.1462C>A, p.Pro488Thr (NM_001252020.2); c.1345C>A, p.Pro449Thr (NM_002420.6); short protein forms P488T, P449T, P471T.
Identifiers: ClinVar variation 1918129 (VCV001918129.5), dbSNP rs779325838, ClinGen allele CA7452583.
Genomic context (GRCh38, chr15:31,050,435, plus strand): 5'-GCCAAGCTCGTGATCTCTGTGACCTTCCACATACCCAGTTCAGCAGCTCTATCTTCCGGG[G>T]GTCAGTTTCTTCCTCCACTTCCTCTTTCACTTTCCCTTTCTTCTTGCCTTTCCCTTTTCC-3'
Protein context (NP_001238953.1, residues 461-481): VKEEVEEETD[Pro471Thr]RKIELLNWVN

ClinVar aggregate classification (germline): Uncertain significance (1 of 4 stars; one submission).

Allele frequency attached by ClinVar (database versions not stated): gnomAD exomes below 0.00001; ExAC 0.00001; TOPMed 0.00001.
gnomAD v4.1: 1 of 1,613,922 alleles (0.000062%); highest among the groups gnomAD compares: Admixed American, 0.0017%; no homozygotes.

Submission:

Labcorp Genetics (formerly Invitae), Labcorp
Classification: Uncertain significance. Last evaluated: 2022-02-12. Review status: criteria provided, single submitter. Criteria: Invitae Variant Classification Sherloc (09022015). Collection method: clinical testing. Allele origin: germline.
Comment: Algorithms developed to predict the effect of missense changes on protein structure and function are either unavailable or do not agree on the potential impact of this missense change (SIFT: "Deleterious"; PolyPhen-2: "Possibly Damaging"; Align-GVGD: "Class C0"). This variant has not been reported in the literature in individuals affected with TRPM1-related conditions. This variant is present in population databases (rs779325838, gnomAD 0.003%). In summary, the available evidence is currently insufficient to determine the role of this variant in disease. Therefore, it has been classified as a Variant of Uncertain Significance. This sequence change replaces proline, which is neutral and non-polar, with threonine, which is neutral and polar, at codon 449 of the TRPM1 protein (p.Pro449Thr).